The following is an entry in ClinVar:

ClinVar aggregate classification (germline): Uncertain significance (1 of 4 stars; one submission).

Conditions:
Combined immunodeficiency due to ZAP70 deficiency (IMD48). Also called: ZAP70 Deficiency; Immunodeficiency 48. Identifiers: Orphanet 911, MedGen C2931299, MONDO:0010023, OMIM 269840.

Allele frequency attached by ClinVar (database versions not stated): gnomAD exomes below 0.00001 and 0.00001; ExAC 0.00001; gnomAD 0.00001; ESP Exome Variant Server 0.00008.
gnomAD v4.1: 10 of 1,613,976 alleles (0.00062%); highest among the groups gnomAD compares: African/African-American, 0.0027%; no homozygotes.

Submission:

Labcorp Genetics (formerly Invitae), Labcorp
Classification: Uncertain significance for Combined immunodeficiency due to ZAP70 deficiency. Last evaluated: 2019-04-19. Review status: criteria provided, single submitter. Criteria: Invitae Variant Classification Sherloc (09022015). Collection method: clinical testing. Allele origin: germline.
Comment: This variant has not been reported in the literature in individuals with ZAP70-related conditions. This sequence change replaces arginine with histidine at codon 496 of the ZAP70 protein (p.Arg496His). The arginine residue is moderately conserved and there is a small physicochemical difference between arginine and histidine. This variant is present in population databases (rs150631046, ExAC 0.001%). Algorithms developed to predict the effect of missense changes on protein structure and function are either unavailable or do not agree on the potential impact of this missense change (SIFT: "Tolerated "; PolyPhen-2: "Probably Damaging"; Align-GVGD: "Class C0"). In summary, the available evidence is currently insufficient to determine the role of this variant in disease. Therefore, it has been classified as a Variant of Uncertain Significance.

NM_001079.4(ZAP70):c.1487G>A (p.Arg496His)

Gene: ZAP70 (zeta chain of T cell receptor associated protein kinase 70; plus strand). Cytogenetic location: 2q11.2.
Variant type: single nucleotide variant.
Coding change: c.1487G>A on transcript NM_001079.4 (MANE Select); coding-DNA position 1487, G replaced by A.
Protein change: p.Arg496His; replaces arginine 496 with histidine.
Molecular consequence: missense variant.
Genome position (GRCh38, 1-based): chr2:97,737,761, G>A. VCF-style: chr2-97737761-G-A. GRCh37 (hg19) VCF-style: chr2-98354224-G-A.
Other names: c.1487G>A, p.Arg496His (NM_001378594.1); c.566G>A, p.Arg189His (NM_207519.2); short protein forms R189H, R496H.
Identifiers: ClinVar variation 861064 (VCV000861064.8), dbSNP rs150631046, ClinGen allele CA1790486.